The following is an entry in ClinVar:

ClinVar aggregate classification (germline): Uncertain significance (1 of 4 stars; one submission).

Allele frequency attached by ClinVar (database versions not stated): TOPMed below 0.00001; gnomAD 0.00001; gnomAD exomes below 0.00001.

Submission:

Labcorp Genetics (formerly Invitae), Labcorp
Classification: Uncertain significance. Last evaluated: 2023-11-28. Review status: criteria provided, single submitter. Criteria: Invitae Variant Classification Sherloc (09022015). Collection method: clinical testing. Allele origin: germline.
Comment: This sequence change replaces alanine, which is neutral and non-polar, with threonine, which is neutral and polar, at codon 32 of the SI protein (p.Ala32Thr). This variant is present in population databases (no rsID available, gnomAD 0.0009%). This variant has not been reported in the literature in individuals affected with SI-related conditions. ClinVar contains an entry for this variant (Variation ID: 1489603). Advanced modeling of protein sequence and biophysical properties (such as structural, functional, and spatial information, amino acid conservation, physicochemical variation, residue mobility, and thermodynamic stability) has been performed at Invitae for this missense variant, however the output from this modeling did not meet the statistical confidence thresholds required to predict the impact of this variant on SI protein function. In summary, the available evidence is currently insufficient to determine the role of this variant in disease. Therefore, it has been classified as a Variant of Uncertain Significance.

NM_001041.4(SI):c.94G>A (p.Ala32Thr)

Gene: SI (sucrase-isomaltase; minus strand). Cytogenetic location: 3q26.1.
Variant type: single nucleotide variant.
Coding change: c.94G>A on transcript NM_001041.4 (MANE Select); coding-DNA position 94, G replaced by A.
Protein change: p.Ala32Thr; replaces alanine 32 with threonine.
Molecular consequence: missense variant.
Genome position (GRCh38, 1-based): chr3:165,075,919, C>T on the plus strand (G>A on the coding strand, the complement: SI is on the minus strand). VCF-style: chr3-165075919-C-T. GRCh37 (hg19) VCF-style: chr3-164793707-C-T.
Other names: short protein forms A32T.
Identifiers: ClinVar variation 1489603 (VCV001489603.6), dbSNP rs1270566242, ClinGen allele CA355038254.
Genomic context (GRCh38, chr3:165,075,919, plus strand): 5'-ACGATAATGTAGCCATGCTTTTAATGTACTACTTACCATCAACAGCAGGTGTCTTAGTTG[C>T]TAAAACAACAATTAAGGCAATAGCTATTATAGTAACTATGACAAAAAGGACAATCAGAGA-3'
Protein context (NP_001032.2, residues 22-42): IIAIALIVVL[Ala32Thr]TKTPAVDEIS